The following is an entry in ClinVar:

NM_001110556.2(FLNA):c.6661G>A (p.Val2221Met)

Gene: FLNA (filamin A; minus strand). Cytogenetic location: Xq28.
Variant type: single nucleotide variant.
Coding change: c.6661G>A on transcript NM_001110556.2 (MANE Select); coding-DNA position 6661, G replaced by A.
Protein change: p.Val2221Met; replaces valine 2221 with methionine.
Molecular consequence: missense variant.
Genome position (GRCh38, 1-based): chrX:154,352,289, C>T on the plus strand (G>A on the coding strand, the complement: FLNA is on the minus strand). VCF-style: chrX-154352289-C-T. GRCh37 (hg19) VCF-style: chrX-153580657-C-T.
Other names: c.6637G>A, p.Val2213Met (NM_001456.4); short protein forms V2213M, V2221M.
Identifiers: ClinVar variation 379108 (VCV000379108.2), dbSNP rs1057520496, ClinGen allele CA16608798.

ClinVar aggregate classification (germline): Uncertain significance (1 of 4 stars; one submission).

Submission:

GeneDx
Classification: Uncertain significance. Last evaluated: 2017-08-31. Review status: criteria provided, single submitter. Criteria: GeneDx Variant Classification (06012015). Collection method: clinical testing. Allele origin: germline. Affected: yes.
Comment: A variant of uncertain significance has been identified in the FLNA gene. The V2213M variant has not been published as pathogenic or been reported as benign to our knowledge. This variant is also not observed in large population cohorts (Lek et al., 2016; 1000 Genomes Consortium et al., 2015; Exome Variant Server). This substitution occurs at a position that is conserved across species and in silico analysis predicts this variant is probably damaging to the protein structure/function. However, V2213M is a conservative amino acid substitution, which is not likely to impact secondary protein structure as these residues share similar properties. Furthermore, this variant has not been observed in a significant number of affected individuals, and it lacks large segregation studies and functional evidence, which would further clarify its pathogenicity.